The following is an entry in ClinVar:

ClinVar aggregate classification (germline): Uncertain significance (1 of 4 stars; one submission).

Submission:

Labcorp Genetics (formerly Invitae), Labcorp
Classification: Uncertain significance. Last evaluated: 2022-10-17. Review status: criteria provided, single submitter. Criteria: Invitae Variant Classification Sherloc (09022015). Collection method: clinical testing. Allele origin: germline.
Comment: This variant is not present in population databases (gnomAD no frequency). In summary, the available evidence is currently insufficient to determine the role of this variant in disease. Therefore, it has been classified as a Variant of Uncertain Significance. Advanced modeling of protein sequence and biophysical properties (such as structural, functional, and spatial information, amino acid conservation, physicochemical variation, residue mobility, and thermodynamic stability) performed at Invitae indicates that this missense variant is not expected to disrupt FAT4 protein function. This variant has not been reported in the literature in individuals affected with FAT4-related conditions. This sequence change replaces isoleucine, which is neutral and non-polar, with threonine, which is neutral and polar, at codon 1894 of the FAT4 protein (p.Ile1894Thr).

NM_001291303.3(FAT4):c.5681T>C (p.Ile1894Thr)

Gene: FAT4 (FAT atypical cadherin 4; plus strand). Cytogenetic location: 4q28.1.
Variant type: single nucleotide variant.
Coding change: c.5681T>C on transcript NM_001291303.3 (MANE Select); coding-DNA position 5681, T replaced by C.
Protein change: p.Ile1894Thr; replaces isoleucine 1894 with threonine.
Molecular consequence: missense variant.
Genome position (GRCh38, 1-based): chr4:125,408,555, T>C. VCF-style: chr4-125408555-T-C. GRCh37 (hg19) VCF-style: chr4-126329710-T-C.
Other names: c.5681T>C, p.Ile1894Thr (NM_001291285.3, NM_024582.6); short protein forms I1894T.
Identifiers: ClinVar variation 2135546 (VCV002135546.4), dbSNP rs2530755391, ClinGen allele CA358123352.
Genomic context (GRCh38, chr4:125,408,555, plus strand): 5'-GAGAAATTACATATATTGTGAATGAAGATGATGAAGATGGCATCTTTTTCCTGAATCCTA[T>C]TACTGGGGTCTTTAATTTGACTCGATTATTAGATTATGAAGTACAGCAATATTATATCCT-3'
Protein context (NP_001278232.1, residues 1884-1904): DEDGIFFLNP[Ile1894Thr]TGVFNLTRLL